The following is an entry in ClinVar:

ClinVar aggregate classification (germline): Uncertain significance (1 of 4 stars; one submission).

Conditions:
KBG syndrome (KBGS). Also called: ANKRD11-Related KBG Syndrome. Identifiers: Orphanet 2332, MedGen C0220687, MONDO:0007846, OMIM 148050.

Submission:

Labcorp Genetics (formerly Invitae), Labcorp
Classification: Uncertain significance for KBG syndrome. Last evaluated: 2023-05-21. Review status: criteria provided, single submitter. Criteria: Invitae Variant Classification Sherloc (09022015). Collection method: clinical testing. Allele origin: germline.
Comment: This variant has not been reported in the literature in individuals affected with ANKRD11-related conditions. This sequence change replaces proline, which is neutral and non-polar, with threonine, which is neutral and polar, at codon 753 of the ANKRD11 protein (p.Pro753Thr). This variant is not present in population databases (gnomAD no frequency). Advanced modeling of protein sequence and biophysical properties (such as structural, functional, and spatial information, amino acid conservation, physicochemical variation, residue mobility, and thermodynamic stability) performed at Invitae indicates that this missense variant is not expected to disrupt ANKRD11 protein function. In summary, the available evidence is currently insufficient to determine the role of this variant in disease. Therefore, it has been classified as a Variant of Uncertain Significance.

NM_013275.6(ANKRD11):c.2257C>A (p.Pro753Thr)

Gene: ANKRD11 (ankyrin repeat domain 11; minus strand). Cytogenetic location: 16q24.3.
Variant type: single nucleotide variant.
Coding change: c.2257C>A on transcript NM_013275.6 (MANE Select); coding-DNA position 2257, C replaced by A.
Protein change: p.Pro753Thr; replaces proline 753 with threonine.
Molecular consequence: missense variant.
Genome position (GRCh38, 1-based): chr16:89,284,285, G>T on the plus strand (C>A on the coding strand, the complement: ANKRD11 is on the minus strand). VCF-style: chr16-89284285-G-T. GRCh37 (hg19) VCF-style: chr16-89350693-G-T.
Other names: c.2257C>A, p.Pro753Thr (NM_001256182.2, NM_001256183.2); short protein forms P753T.
Identifiers: ClinVar variation 2866693 (VCV002866693.3), dbSNP rs2544241945, ClinGen allele CA397162835.